The following is an entry in ClinVar:

ClinVar aggregate classification (germline): Uncertain significance (1 of 4 stars; one submission).

Allele frequency attached by ClinVar (database versions not stated): gnomAD exomes 0.00001; gnomAD 0.00002; ExAC 0.00004; 1000 Genomes Project 30x 0.00047; 1000 Genomes Project 0.00060.
gnomAD v4.1: 13 of 1,614,142 alleles (0.00081%); highest among the groups gnomAD compares: South Asian, 0.014%; no homozygotes.

Submission:

Labcorp Genetics (formerly Invitae), Labcorp
Classification: Uncertain significance. Last evaluated: 2022-11-30. Review status: criteria provided, single submitter. Criteria: Invitae Variant Classification Sherloc (09022015). Collection method: clinical testing. Allele origin: germline.
Comment: Advanced modeling of protein sequence and biophysical properties (such as structural, functional, and spatial information, amino acid conservation, physicochemical variation, residue mobility, and thermodynamic stability) performed at Invitae indicates that this missense variant is expected to disrupt POLR3A protein function. This sequence change replaces lysine, which is basic and polar, with glutamic acid, which is acidic and polar, at codon 598 of the POLR3A protein (p.Lys598Glu). This variant is present in population databases (rs549565623, gnomAD 0.02%). This variant has not been reported in the literature in individuals affected with POLR3A-related conditions. In summary, the available evidence is currently insufficient to determine the role of this variant in disease. Therefore, it has been classified as a Variant of Uncertain Significance.

NM_007055.4(POLR3A):c.1792A>G (p.Lys598Glu)

Gene: POLR3A (RNA polymerase III subunit A; minus strand). Cytogenetic location: 10q22.3.
Variant type: single nucleotide variant.
Coding change: c.1792A>G on transcript NM_007055.4 (MANE Select); coding-DNA position 1792, A replaced by G.
Protein change: p.Lys598Glu; replaces lysine 598 with glutamic acid.
Molecular consequence: missense variant.
Genome position (GRCh38, 1-based): chr10:78,009,654, T>C on the plus strand (A>G on the coding strand, the complement: POLR3A is on the minus strand). VCF-style: chr10-78009654-T-C. GRCh37 (hg19) VCF-style: chr10-79769412-T-C.
Other names: short protein forms K598E.
Identifiers: ClinVar variation 2811814 (VCV002811814.3), dbSNP rs549565623, ClinGen allele CA5571308.